The following is an entry in ClinVar:

NM_003872.3(NRP2):c.1742C>T (p.Ala581Val)

Gene: NRP2 (neuropilin 2; plus strand). Cytogenetic location: 2q33.3.
Variant type: single nucleotide variant.
Coding change: c.1742C>T on transcript NM_003872.3 (MANE Select); coding-DNA position 1742, C replaced by T.
Protein change: p.Ala581Val; replaces alanine 581 with valine.
Molecular consequence: missense variant.
Genome position (GRCh38, 1-based): chr2:205,745,846, C>T. VCF-style: chr2-205745846-C-T. GRCh37 (hg19) VCF-style: chr2-206610570-C-T.
Other names: c.1742C>T, p.Ala581Val (NM_018534.4, NM_201266.2, NM_201267.2 and 1 more transcripts); short protein forms A581V.
Identifiers: ClinVar variation 5000640 (VCV005000640.1).

ClinVar aggregate classification (germline): Uncertain significance (1 of 4 stars; one submission).

Conditions:
NRP2-related disorder. Also called: NRP2-related condition.

gnomAD v4.1: 19 of 1,614,020 alleles (0.0012%); highest among the groups gnomAD compares: South Asian, 0.0033%; no homozygotes.

Submission:

PreventionGenetics, part of Exact Sciences
Classification: Uncertain significance for NRP2-related condition. Last evaluated: 2026-06-11. Review status: criteria provided, single submitter. Criteria: ACMG Guidelines, 2015. Collection method: clinical testing. Allele origin: germline.
Comment: The NRP2 c.1742C>T variant is predicted to result in the amino acid substitution p.Ala581Val. To our knowledge, this variant has not been reported in the literature. This variant is reported in 0.0033% of alleles in individuals of South Asian descent in gnomAD. At this time, the clinical significance of this variant is uncertain due to the absence of conclusive functional and genetic evidence.